The following is an entry in ClinVar:

ClinVar aggregate classification (germline): Uncertain significance (1 of 4 stars; one submission).

Conditions:
Psoriasis 2. Identifiers: MedGen C1864497, MONDO:0011269, OMIM 602723.
Pityriasis rubra pilaris (PRP). Also called: Pityriasis rubra pilaris--familial type. Identifiers: Orphanet 2897, MedGen C0032027, MONDO:0100017, OMIM 173200, MONDO:0008251.

Allele frequency attached by ClinVar (database versions not stated): TOPMed below 0.00001.

Submission:

Labcorp Genetics (formerly Invitae), Labcorp
Classification: Uncertain significance for Pityriasis rubra pilaris; Psoriasis 2. Last evaluated: 2022-06-28. Review status: criteria provided, single submitter. Criteria: Invitae Variant Classification Sherloc (09022015). Collection method: clinical testing. Allele origin: germline.
Comment: In summary, the available evidence is currently insufficient to determine the role of this variant in disease. Therefore, it has been classified as a Variant of Uncertain Significance. Algorithms developed to predict the effect of missense changes on protein structure and function are either unavailable or do not agree on the potential impact of this missense change (SIFT: "Tolerated"; PolyPhen-2: "Probably Damaging"; Align-GVGD: "Class C0"). This variant has not been reported in the literature in individuals affected with CARD14-related conditions. This variant is not present in population databases (gnomAD no frequency). This sequence change replaces glutamic acid, which is acidic and polar, with lysine, which is basic and polar, at codon 269 of the CARD14 protein (p.Glu269Lys).

NM_001366385.1(CARD14):c.805G>A (p.Glu269Lys)

Gene: CARD14 (caspase recruitment domain family member 14; plus strand). Cytogenetic location: 17q25.3.
Variant type: single nucleotide variant.
Coding change: c.805G>A on transcript NM_001366385.1 (MANE Select); coding-DNA position 805, G replaced by A.
Protein change: p.Glu269Lys; replaces glutamic acid 269 with lysine.
Molecular consequence: missense variant. On other transcripts: non-coding transcript variant (1).
Genome position (GRCh38, 1-based): chr17:80,188,506, G>A. VCF-style: chr17-80188506-G-A. GRCh37 (hg19) VCF-style: chr17-78162305-G-A.
Other names: c.805G>A, p.Glu269Lys (NM_001257970.1, NM_024110.4); c.94G>A, p.Glu32Lys (NM_052819.3); short protein forms E269K, E32K.
Identifiers: ClinVar variation 1441526 (VCV001441526.6), dbSNP rs2040417394, ClinGen allele CA401341728.